The following is an entry in ClinVar:

NM_013254.4(TBK1):c.1189+10G>A

Gene: TBK1 (TANK binding kinase 1; plus strand). Cytogenetic location: 12q14.2.
Variant type: single nucleotide variant.
Coding change: c.1189+10G>A on transcript NM_013254.4 (MANE Select); 10 bases into the intron after coding-DNA position 1189, G replaced by A.
Molecular consequence: intron variant.
Genome position (GRCh38, 1-based): chr12:64,484,509, G>A. VCF-style: chr12-64484509-G-A. GRCh37 (hg19) VCF-style: chr12-64878289-G-A.
Identifiers: ClinVar variation 706308 (VCV000706308.12), dbSNP rs185457813, ClinGen allele CA6668986.
Genomic context (GRCh38, chr12:64,484,509, plus strand): 5'-TTGTAGTAAGCCGGGAACCTCTGAATACCATAGGATTAATATATGAAAAAAGTAAGTTGG[G>A]ATTTTTCTTGTCGTTCTTACTAGCCATTAGAAAAATACAGCCAGCCTGGGCAACATAGTG-3'

ClinVar aggregate classification (germline): Benign/Likely benign. Review status: criteria provided, multiple submitters, no conflicts (2 of 4 stars). 4 submissions from 4 submitters: Benign (1); Likely benign (2). 1 of the submissions does not count toward it. Last evaluated 2025-10-02.

Conditions:
Frontotemporal dementia and/or amyotrophic lateral sclerosis 4. Also called: FTDALS4. Identifiers: Orphanet 275872, MedGen C4225325, MONDO:0014641, OMIM 616439.
TBK1-related disorder. Also called: TBK1-related condition.

Allele frequency attached by ClinVar (database versions not stated): TOPMed 0.00005; ESP Exome Variant Server 0.00008; 1000 Genomes Project 30x 0.00047; gnomAD 0.00054 and 0.00061; 1000 Genomes Project 0.00060; gnomAD exomes 0.00072; ExAC 0.00073.
gnomAD v4.1: 556 of 1,591,978 alleles (0.035%); highest among the groups gnomAD compares: Non-Finnish European, 0.0098%; 1 homozygote.

Submissions (4):

Labcorp Genetics (formerly Invitae), Labcorp
Classification: Benign for Frontotemporal dementia and/or amyotrophic lateral sclerosis 4. Last evaluated: 2025-10-02. Review status: criteria provided, single submitter. Criteria: Invitae Variant Classification Sherloc (09022015). Collection method: clinical testing. Allele origin: germline.

Blueprint Genetics
Classification: Likely benign. Last evaluated: 2024-10-04. Review status: criteria provided, single submitter. Criteria: ACMG Guidelines, 2015. Collection method: clinical testing. Allele origin: germline.

Women's Health and Genetics/Laboratory Corporation of America, LabCorp
Classification: Likely benign. Last evaluated: 2023-11-22. Review status: criteria provided, single submitter. Criteria: LabCorp Variant Classification Summary - May 2015. Collection method: clinical testing. Allele origin: germline.
Comment: Variant summary: TBK1 c.1189+10G>A alters a non-conserved nucleotide located at a position not widely known to affect splicing. Consensus agreement among computation tools predict no significant impact on normal splicing. However, these predictions have yet to be confirmed by functional studies. The variant allele was found at a frequency of 0.00072 in 232756 control chromosomes. To our knowledge, no occurrence of c.1189+10G>A in individuals affected with Frontotemporal Dementia And/or Amyotrophic Lateral Sclerosis 4 and no experimental evidence demonstrating its impact on protein function have been reported. One submitter has cited clinical-significance assessments for this variant to ClinVar after 2014 and has classified the variant as benign. Based on the evidence outlined above, the variant was classified as likely benign.

PreventionGenetics, part of Exact Sciences
Classification: Benign for TBK1-related condition. Last evaluated: 2024-07-05. Review status: no assertion criteria provided. Collection method: clinical testing. Allele origin: germline. Not counted in ClinVar's aggregate classification.
Comment: This variant is classified as benign based on ACMG/AMP sequence variant interpretation guidelines (Richards et al. 2015 PMID: 25741868, with internal and published modifications).